The following is an entry in ClinVar:

NM_001128178.3(NPHP1):c.580G>C (p.Asp194His)

Gene: NPHP1 (nephrocystin 1; minus strand). Cytogenetic location: 2q13.
Variant type: single nucleotide variant.
Coding change: c.580G>C on transcript NM_001128178.3 (MANE Select); coding-DNA position 580, G replaced by C.
Protein change: p.Asp194His; replaces aspartic acid 194 with histidine.
Molecular consequence: missense variant.
Genome position (GRCh38, 1-based): chr2:110,168,496, C>G on the plus strand (G>C on the coding strand, the complement: NPHP1 is on the minus strand). VCF-style: chr2-110168496-C-G. GRCh37 (hg19) VCF-style: chr2-110926073-C-G.
Other names: c.580G>C, p.Asp194His (NM_000272.5, NM_001374256.1, NM_001374257.1 and 1 more transcripts); c.394G>C, p.Asp132His (NM_001128179.3); short protein forms D194H, D132H.
Identifiers: ClinVar variation 4982803 (VCV004982803.1).
Genomic context (GRCh38, chr2:110,168,496, plus strand): 5'-ATAAACCAAGACTAACCTCTAGGTAGGTTCTGGGAACAAGACCTTCATTTCCTTTGGCAT[C>G]CTTAGCTATCCACCAACCATCAGGTTTTTTTTCAATTACAAGGAGAATTTCCCCTTTCTT-3'
Protein context (NP_001121650.1, residues 184-204): KKPDGWWIAK[Asp194His]AKGNEGLVPR

ClinVar aggregate classification (germline): Uncertain significance (1 of 4 stars; one submission).

Conditions:
NPHP1-related disorder. Also called: NPHP1-related disorders; NPHP1-related condition.

Submission:

PreventionGenetics, part of Exact Sciences
Classification: Uncertain significance for NPHP1-related condition. Last evaluated: 2024-11-27. Review status: criteria provided, single submitter. Criteria: ACMG Guidelines, 2015. Collection method: clinical testing. Allele origin: germline.
Comment: The NPHP1 c.580G>C variant is predicted to result in the amino acid substitution p.Asp194His. To our knowledge, this variant has not been reported in the literature or in a large population database (gnomAD), indicating this variant is rare. At this time, the clinical significance of this variant is uncertain due to the absence of conclusive functional and genetic evidence.